The following is an entry in ClinVar:

ClinVar aggregate classification (germline): Uncertain significance (1 of 4 stars; one submission).

Allele frequency attached by ClinVar (database versions not stated): TOPMed below 0.00001; gnomAD 0.00001; gnomAD exomes 0.00002; ExAC 0.00004.
gnomAD v4.1: 23 of 1,610,382 alleles (0.0014%); highest among the groups gnomAD compares: South Asian, 0.0044%; no homozygotes.

Submission:

Labcorp Genetics (formerly Invitae), Labcorp
Classification: Uncertain significance. Last evaluated: 2021-12-20. Review status: criteria provided, single submitter. Criteria: Invitae Variant Classification Sherloc (09022015). Collection method: clinical testing. Allele origin: germline.
Comment: This sequence change replaces alanine, which is neutral and non-polar, with valine, which is neutral and non-polar, at codon 1081 of the MCM3AP protein (p.Ala1081Val). This variant is present in population databases (rs747476987, gnomAD 0.007%). This variant has not been reported in the literature in individuals affected with MCM3AP-related conditions. Algorithms developed to predict the effect of missense changes on protein structure and function output the following: SIFT: "Tolerated"; PolyPhen-2: "Benign"; Align-GVGD: "Class C0". The valine amino acid residue is found in multiple mammalian species, which suggests that this missense change does not adversely affect protein function. In summary, the available evidence is currently insufficient to determine the role of this variant in disease. Therefore, it has been classified as a Variant of Uncertain Significance.

NM_003906.5(MCM3AP):c.3242C>T (p.Ala1081Val)

Gene: MCM3AP (minichromosome maintenance complex component 3 associated protein; minus strand). Cytogenetic location: 21q22.3.
Variant type: single nucleotide variant.
Coding change: c.3242C>T on transcript NM_003906.5 (MANE Select); coding-DNA position 3242, C replaced by T.
Protein change: p.Ala1081Val; replaces alanine 1081 with valine.
Molecular consequence: missense variant.
Genome position (GRCh38, 1-based): chr21:46,264,210, G>A on the plus strand (C>T on the coding strand, the complement: MCM3AP is on the minus strand). VCF-style: chr21-46264210-G-A. GRCh37 (hg19) VCF-style: chr21-47684124-G-A.
Other names: short protein forms A1081V.
Identifiers: ClinVar variation 1376381 (VCV001376381.3), dbSNP rs747476987, ClinGen allele CA10076561.